The following is an entry in ClinVar:

ClinVar aggregate classification (germline): Benign/Likely benign. Review status: criteria provided, multiple submitters, no conflicts (2 of 4 stars). 9 submissions from 9 submitters: Benign (2); Likely benign (6). 1 of the submissions does not count toward it. Last evaluated 2026-01-25.

Conditions:
EHMT1-related disorder. Also called: EHMT1-related condition.
Inborn genetic diseases. Identifiers: MedGen C0950123, MeSH D030342.
Kleefstra syndrome 1 (KLEFS1). Identifiers: Orphanet 261494, MedGen C0795833, MONDO:0027407, OMIM 610253.

Allele frequency attached by ClinVar (database versions not stated): 1000 Genomes Project 0.00020; 1000 Genomes Project 30x 0.00047; TOPMed 0.00108; ESP Exome Variant Server 0.00123.
gnomAD v4.1: 249 of 1,611,034 alleles (0.015%); highest among the groups gnomAD compares: African/African-American, 0.31%; no homozygotes.

Submissions (9):

Labcorp Genetics (formerly Invitae), Labcorp
Classification: Likely benign for Kleefstra syndrome 1. Last evaluated: 2026-01-25. Review status: criteria provided, single submitter. Criteria: Invitae Variant Classification Sherloc (09022015). Collection method: clinical testing. Allele origin: germline.

Blueprint Genetics
Classification: Likely benign. Last evaluated: 2024-02-12. Review status: criteria provided, single submitter. Criteria: ACMG Guidelines, 2015. Collection method: clinical testing. Allele origin: germline.

GeneDx
Classification: Benign. Last evaluated: 2019-10-18. Review status: criteria provided, single submitter. Criteria: GeneDx Variant Classification Process June 2021. Collection method: clinical testing. Allele origin: germline. Affected: yes.

Genetic Services Laboratory, University of Chicago
Classification: Likely benign. Last evaluated: 2019-07-03. Review status: criteria provided, single submitter. Criteria: ACMG Guidelines, 2015. Collection method: clinical testing. Allele origin: germline. Affected: no.

Center for Pediatric Genomic Medicine, Children's Mercy Hospital and Clinics
Classification: Likely benign. Last evaluated: 2017-06-15. Review status: criteria provided, single submitter. Criteria: ACMG Guidelines, 2015. Collection method: clinical testing. Allele origin: germline.

Ambry Genetics
Classification: Likely benign for Inborn genetic diseases. Last evaluated: 2017-05-31. Review status: criteria provided, single submitter. Criteria: Ambry Variant Classification Scheme 2023. Collection method: clinical testing. Allele origin: germline.

Eurofins Ntd Llc (ga)
Classification: Benign. Last evaluated: 2014-05-21. Review status: criteria provided, single submitter. Criteria: EGL Classification Definitions 2015. Collection method: clinical testing. Allele origin: germline. Observed: 1 variant allele, 1 heterozygote.

Breakthrough Genomics
Classification: Likely benign. Review status: criteria provided, single submitter. Criteria: ACMG Guidelines, 2015. Collection method: not provided. Allele origin: germline. Inheritance: Autosomal dominant inheritance. Affected: yes.

PreventionGenetics, part of Exact Sciences
Classification: Likely benign for EHMT1-related condition. Last evaluated: 2021-08-31. Review status: no assertion criteria provided. Collection method: clinical testing. Allele origin: germline. Not counted in ClinVar's aggregate classification.
Comment: This variant is classified as likely benign based on ACMG/AMP sequence variant interpretation guidelines (Richards et al. 2015 PMID: 25741868, with internal and published modifications).

NM_024757.5(EHMT1):c.3011G>A (p.Ser1004Asn)

Gene: EHMT1 (euchromatic histone lysine methyltransferase 1; plus strand). Cytogenetic location: 9q34.3.
Variant type: single nucleotide variant.
Coding change: c.3011G>A on transcript NM_024757.5 (MANE Select); coding-DNA position 3011, G replaced by A.
Protein change: p.Ser1004Asn; replaces serine 1004 with asparagine.
Molecular consequence: missense variant.
Genome position (GRCh38, 1-based): chr9:137,813,149, G>A. VCF-style: chr9-137813149-G-A. GRCh37 (hg19) VCF-style: chr9-140707601-G-A.
Other names: c.2990G>A, p.Ser997Asn (NM_001354263.2); short protein forms S1004N, S997N.
Identifiers: ClinVar variation 195533 (VCV000195533.67), dbSNP rs138283222, ClinGen allele CA201812.